The following is an entry in ClinVar:

ClinVar aggregate classification (germline): Uncertain significance. Review status: criteria provided, multiple submitters, no conflicts (2 of 4 stars). 5 submissions from 5 submitters: Uncertain significance (5). Last evaluated 2026-01-06.

Conditions:
Cardiovascular phenotype. Identifiers: MedGen CN230736.
Cardiac arrhythmia. Also called: Arrhythmia; Cardiac rhythm disease. Identifiers: MedGen C0003811, MONDO:0007263, HP:0011675.
Short QT syndrome type 1. Identifiers: Orphanet 51083, MedGen C1865020, MONDO:0012312, OMIM 609620.
Long QT syndrome 2 (LQT2). Identifiers: Orphanet 101016, Orphanet 768, MedGen C3150943, MONDO:0013367, OMIM 613688.
Long QT syndrome (LQTS). Identifiers: MedGen C0023976, MeSH D008133, MONDO:0002442. Disease mechanism: loss of function. Inheritance: Various modes of inheritance.

Allele frequency attached by ClinVar (database versions not stated): TOPMed 0.00002.
gnomAD v4.1: 15 of 1,610,452 alleles (0.00093%); highest among the groups gnomAD compares: African/African-American, 0.019%; no homozygotes.

Submissions (5):

Labcorp Genetics (formerly Invitae), Labcorp
Classification: Uncertain significance for Long QT syndrome. Last evaluated: 2026-01-06. Review status: criteria provided, single submitter. Criteria: Invitae Variant Classification Sherloc (09022015). Collection method: clinical testing. Allele origin: germline.
Comment: This sequence change replaces arginine, which is basic and polar, with glycine, which is neutral and non-polar, at codon 887 of the KCNH2 protein (p.Arg887Gly). This variant is present in population databases (rs140279503, gnomAD no frequency). This variant has not been reported in the literature in individuals affected with KCNH2-related conditions. ClinVar contains an entry for this variant (Variation ID: 924438). An algorithm developed to predict the effect of missense changes on protein structure and function (PolyPhen-2) suggests that this variant is likely to be disruptive. In summary, the available evidence is currently insufficient to determine the role of this variant in disease. Therefore, it has been classified as a Variant of Uncertain Significance.

Ambry Genetics
Classification: Uncertain significance for Cardiovascular phenotype. Last evaluated: 2025-05-22. Review status: criteria provided, single submitter. Criteria: Ambry Variant Classification Scheme 2023. Collection method: clinical testing. Allele origin: germline.
Comment: The p.R887G variant (also known as c.2659C>G), located in coding exon 11 of the KCNH2 gene, results from a C to G substitution at nucleotide position 2659. The arginine at codon 887 is replaced by glycine, an amino acid with dissimilar properties. This amino acid position is well conserved in available vertebrate species. In addition, this alteration is predicted to be deleterious by in silico analysis. Based on the available evidence, the clinical significance of this variant remains unclear.

All of Us Research Program, National Institutes of Health
Classification: Uncertain significance for Long QT syndrome. Last evaluated: 2024-09-23. Review status: criteria provided, single submitter. Criteria: ACMG Guidelines, 2015. Collection method: clinical testing. Allele origin: germline. Inheritance: Autosomal dominant inheritance. Observed: 2 variant alleles, 2 heterozygotes.
Comment: This missense variant replaces arginine with glycine at codon 887 of the KCNH2 protein. Computational prediction suggests that this variant may have deleterious impact on protein structure and function (internally defined REVEL score threshold >= 0.7, PMID: 27666373). To our knowledge, functional studies have not been reported for this variant. This variant has not been reported in individuals affected with cardiovascular disorders in the literature. This variant has been identified in 1/249022 chromosomes in the general population by the Genome Aggregation Database (gnomAD). The available evidence is insufficient to determine the role of this variant in disease conclusively. Therefore, this variant is classified as a Variant of Uncertain Significance.

This study involves interpretation of variants in research participants for the purpose of population health screening. Participant phenotype was not available at the time of variant classification. Additional details can be found in publication PMID: 35346344, PMCID: PMC8962531

Fulgent Genetics
Classification: Uncertain significance for Short QT syndrome type 1; Long QT syndrome 2. Last evaluated: 2021-10-13. Review status: criteria provided, single submitter. Criteria: ACMG Guidelines, 2015. Collection method: clinical testing. Allele origin: unknown.

Color Diagnostics, LLC DBA Color Health
Classification: Uncertain significance for Cardiac arrhythmia. Last evaluated: 2021-03-26. Review status: criteria provided, single submitter. Criteria: ACMG Guidelines, 2015. Collection method: clinical testing. Allele origin: germline.
Comment: This missense variant replaces arginine with glycine at codon 887 of the KCNH2 protein. Computational prediction suggests that this variant may have deleterious impact on protein structure and function (internally defined REVEL score threshold >= 0.7, PMID: 27666373). To our knowledge, functional studies have not been reported for this variant. This variant has not been reported in individuals affected with cardiovascular disorders in the literature. This variant has been identified in 1/249022 chromosomes in the general population by the Genome Aggregation Database (gnomAD). The available evidence is insufficient to determine the role of this variant in disease conclusively. Therefore, this variant is classified as a Variant of Uncertain Significance.

NM_000238.4(KCNH2):c.2659C>G (p.Arg887Gly)

Gene: KCNH2 (potassium voltage-gated channel subfamily H member 2; minus strand). Cytogenetic location: 7q36.1.
Variant type: single nucleotide variant.
Coding change: c.2659C>G on transcript NM_000238.4 (MANE Select); coding-DNA position 2659, C replaced by G.
Protein change: p.Arg887Gly; replaces arginine 887 with glycine.
Molecular consequence: missense variant.
Genome position (GRCh38, 1-based): chr7:150,948,477, G>C on the plus strand (C>G on the coding strand, the complement: KCNH2 is on the minus strand). VCF-style: chr7-150948477-G-C. GRCh37 (hg19) VCF-style: chr7-150645565-G-C.
Other names: c.1639C>G, p.Arg547Gly (NM_172057.3); short protein forms R547G, R887G.
Identifiers: ClinVar variation 924438 (VCV000924438.17), dbSNP rs140279503, ClinGen allele CA033782.
Genomic context (GRCh38, chr7:150,948,477, plus strand): 5'-CCCCCTTCCTCCCCTCCCCCGCCTCACCCTTGTCCGTGCGCCTGCGGAAGGACAACTTGC[G>C]CTTGCGTTGCCGACTGAAGCCACCCTCTAACTCCGTACTGCCGGGGGAGCCCGGGATCAT-3'
Protein context (NP_000229.1, residues 877-897): LEGGFSRQRK[Arg887Gly]KLSFRRRTDK